The following is an entry in ClinVar:

ClinVar aggregate classification (germline): Uncertain significance (1 of 4 stars; one submission).

Conditions:
Oligodontia-cancer predisposition syndrome. Also called: TOOTH AGENESIS-COLORECTAL CANCER SYNDROME. Identifiers: Orphanet 300576, MedGen C1837750, MONDO:0012075, OMIM 608615. Disease mechanism: loss of function.

Submission:

Labcorp Genetics (formerly Invitae), Labcorp
Classification: Uncertain significance for Oligodontia-cancer predisposition syndrome. Last evaluated: 2024-12-03. Review status: criteria provided, single submitter. Criteria: Invitae Variant Classification Sherloc (09022015). Collection method: clinical testing. Allele origin: germline.
Comment: This sequence change replaces arginine, which is basic and polar, with lysine, which is basic and polar, at codon 779 of the AXIN2 protein (p.Arg779Lys). This variant is not present in population databases (gnomAD no frequency). This variant has not been reported in the literature in individuals affected with AXIN2-related conditions. Invitae Evidence Modeling of protein sequence and biophysical properties (such as structural, functional, and spatial information, amino acid conservation, physicochemical variation, residue mobility, and thermodynamic stability) has been performed for this missense variant. However, the output from this modeling did not meet the statistical confidence thresholds required to predict the impact of this variant on AXIN2 protein function. In summary, the available evidence is currently insufficient to determine the role of this variant in disease. Therefore, it has been classified as a Variant of Uncertain Significance.

NM_004655.4(AXIN2):c.2336G>A (p.Arg779Lys)

Gene: AXIN2 (axin 2; minus strand). Cytogenetic location: 17q24.1.
Variant type: single nucleotide variant.
Coding change: c.2336G>A on transcript NM_004655.4 (MANE Select); coding-DNA position 2336, G replaced by A.
Protein change: p.Arg779Lys; replaces arginine 779 with lysine.
Molecular consequence: missense variant.
Genome position (GRCh38, 1-based): chr17:65,533,981, C>T on the plus strand (G>A on the coding strand, the complement: AXIN2 is on the minus strand). VCF-style: chr17-65533981-C-T. GRCh37 (hg19) VCF-style: chr17-63530099-C-T.
Other names: c.2141G>A, p.Arg714Lys (NM_001363813.1); short protein forms R779K, R714K.
Identifiers: ClinVar variation 3666145 (VCV003666145.2).